The following is an entry in ClinVar:

ClinVar aggregate classification (germline): Conflicting classifications of pathogenicity. Review status: criteria provided, conflicting classifications (1 of 4 stars). 3 submissions from 3 submitters: Uncertain significance (1); Likely benign (2). Last evaluated 2024-06-20.

Allele frequency attached by ClinVar (database versions not stated): ExAC 0.00002; gnomAD 0.00004; gnomAD exomes 0.00004; TOPMed 0.00004; ESP Exome Variant Server 0.00008.
gnomAD v4.1: 73 of 1,596,322 alleles (0.0046%); highest among the groups gnomAD compares: South Asian, 0.0079%; no homozygotes.

Submissions (3):

Blueprint Genetics
Classification: Likely benign. Last evaluated: 2024-06-20. Review status: criteria provided, single submitter. Criteria: ACMG Guidelines, 2015. Collection method: clinical testing. Allele origin: germline.

GeneDx
Classification: Uncertain significance. Last evaluated: 2021-10-01. Review status: criteria provided, single submitter. Criteria: GeneDx Variant Classification Process June 2021. Collection method: clinical testing. Allele origin: germline. Affected: yes.
Comment: In silico analysis, which includes protein predictors and evolutionary conservation, supports that this variant does not alter protein structure/function; Has not been previously published as pathogenic or benign to our knowledge

Labcorp Genetics (formerly Invitae), Labcorp
Classification: Likely benign. Last evaluated: 2019-12-31. Review status: criteria provided, single submitter. Criteria: Invitae Variant Classification Sherloc (09022015). Collection method: clinical testing. Allele origin: germline.

NM_153676.4(USH1C):c.1768G>A (p.Ala590Thr)

Gene: USH1C (USH1 protein network component harmonin; minus strand). Cytogenetic location: 11p15.1.
Variant type: single nucleotide variant.
Coding change: c.1768G>A on transcript NM_153676.4 (MANE Select); coding-DNA position 1768, G replaced by A.
Protein change: p.Ala590Thr; replaces alanine 590 with threonine.
Molecular consequence: missense variant. On other transcripts: intron variant (2).
Genome position (GRCh38, 1-based): chr11:17,509,601, C>T on the plus strand (G>A on the coding strand, the complement: USH1C is on the minus strand). VCF-style: chr11-17509601-C-T. GRCh37 (hg19) VCF-style: chr11-17531148-C-T.
Other names: c.1228-7621G>A (NM_001297764.2); c.1285-7621G>A (NM_005709.4); short protein forms A590T.
Identifiers: ClinVar variation 743681 (VCV000743681.10), dbSNP rs369255684, ClinGen allele CA5904450.